The following is an entry in ClinVar:

ClinVar aggregate classification (germline): Uncertain significance (1 of 4 stars; one submission).

Submission:

GeneDx
Classification: Uncertain significance. Last evaluated: 2024-03-25. Review status: criteria provided, single submitter. Criteria: GeneDx Variant Classification Process June 2021. Collection method: clinical testing. Allele origin: germline. Affected: yes.
Comment: Has not been previously published as pathogenic or benign to our knowledge; Not observed at significant frequency in large population cohorts (gnomAD); In silico analysis supports that this missense variant does not alter protein structure/function

NM_031407.7(HUWE1):c.5308G>A (p.Val1770Met)

Gene: HUWE1 (HECT, UBA and WWE domain containing E3 ubiquitin protein ligase 1; minus strand). Cytogenetic location: Xp11.22.
Variant type: single nucleotide variant.
Coding change: c.5308G>A on transcript NM_031407.7 (MANE Select); coding-DNA position 5308, G replaced by A.
Protein change: p.Val1770Met; replaces valine 1770 with methionine.
Molecular consequence: missense variant.
Genome position (GRCh38, 1-based): chrX:53,583,770, C>T on the plus strand (G>A on the coding strand, the complement: HUWE1 is on the minus strand). VCF-style: chrX-53583770-C-T. GRCh37 (hg19) VCF-style: chrX-53610730-C-T.
Other names: short protein forms V1770M.
Identifiers: ClinVar variation 3371092 (VCV003371092.1).